The following is an entry in ClinVar:

ClinVar aggregate classification (germline): Uncertain significance (1 of 4 stars; one submission).

Conditions:
Schuurs-Hoeijmakers syndrome. Also called: PACS1-Related Neurodevelopmental Disorder. Identifiers: Orphanet 329224, MedGen C3554343, MONDO:0014006, OMIM 615009.

gnomAD v4.1: 1 of 1,570,614 alleles (0.000064%); highest among the groups gnomAD compares: East Asian, 0.0023%; no homozygotes.

Submission:

Labcorp Genetics (formerly Invitae), Labcorp
Classification: Uncertain significance for Schuurs-Hoeijmakers syndrome. Last evaluated: 2024-10-02. Review status: criteria provided, single submitter. Criteria: Invitae Variant Classification Sherloc (09022015). Collection method: clinical testing. Allele origin: germline.
Comment: This sequence change falls in intron 16 of the PACS1 gene. It does not directly change the encoded amino acid sequence of the PACS1 protein. It affects a nucleotide within the consensus splice site. This variant is not present in population databases (gnomAD no frequency). This variant has not been reported in the literature in individuals affected with PACS1-related conditions. Variants that disrupt the consensus splice site are a relatively common cause of aberrant splicing (PMID: 17576681, 9536098). Algorithms developed to predict the effect of sequence changes on RNA splicing suggest that this variant is not likely to affect RNA splicing. In summary, the available evidence is currently insufficient to determine the role of this variant in disease. Therefore, it has been classified as a Variant of Uncertain Significance.

Literature cited by the submitters: PubMed 17576681; PubMed 9536098.

NM_018026.4(PACS1):c.1993+5A>G

Gene: PACS1 (phosphofurin acidic cluster sorting protein 1; plus strand). Cytogenetic location: 11q13.2.
Variant type: single nucleotide variant.
Coding change: c.1993+5A>G on transcript NM_018026.4 (MANE Select); 5 bases into the intron after coding-DNA position 1993, A replaced by G.
Molecular consequence: intron variant.
Genome position (GRCh38, 1-based): chr11:66,233,944, A>G. VCF-style: chr11-66233944-A-G. GRCh37 (hg19) VCF-style: chr11-66001415-A-G.
Identifiers: ClinVar variation 3722081 (VCV003722081.2).
Genomic context (GRCh38, chr11:66,233,944, plus strand): 5'-GGCCAACAAGACCTCCGACTGGCTTGGCTACATGCGCTTCCTCATCATCCCCCTCGGTAA[A>G]GACGGGAGGCACCAGGAGGGCGTCGGGCATGAGGGTTCCATAGACAGATGCCTCATCTGG-3'